The following is an entry in ClinVar:

NM_001267550.2(TTN):c.97700G>A (p.Gly32567Asp)

Genes: TTN (titin; minus strand), TTN-AS1 (TTN antisense RNA 1; plus strand). Cytogenetic location: 2q31.2.
Variant type: single nucleotide variant.
Coding change: c.97700G>A on transcript NM_001267550.2 (MANE Select); coding-DNA position 97700, G replaced by A.
Protein change: p.Gly32567Asp; replaces glycine 32567 with aspartic acid.
Molecular consequence: missense variant.
Genome position (GRCh38, 1-based): chr2:178,541,377, C>T on the plus strand (G>A on the coding strand, the complement: TTN is on the minus strand). VCF-style: chr2-178541377-C-T. GRCh37 (hg19) VCF-style: chr2-179406104-C-T.
Other names: c.92777G>A, p.Gly30926Asp (NM_001256850.1); c.70505G>A, p.Gly23502Asp (NM_003319.4); c.89996G>A, p.Gly29999Asp (NM_133378.4); c.70880G>A, p.Gly23627Asp (NM_133432.3); c.71081G>A, p.Gly23694Asp (NM_133437.4); short protein forms G30926D, G23694D, G29999D, G23502D, G23627D, G32567D.
Identifiers: ClinVar variation 1756888 (VCV001756888.2), dbSNP rs772113226, ClinGen allele CA1986506.
Genomic context (GRCh38, chr2:178,541,377, plus strand): 5'-CGACTTGGTTTCCCAGACCCTCTTGCATTAATGGCTGTGACACGGTGTTCATATTCTAAG[C>T]CTTCAGTAAGGCCAGTGGAGCGGTACCGTGTCATTGTCACAGGTACTTTATTTACACGGA-3'
Protein context (NP_001254479.2, residues 32557-32577): TRYRSTGLTE[Gly32567Asp]LEYEHRVTAI

ClinVar aggregate classification (germline): Uncertain significance (1 of 4 stars; one submission).

Conditions:
Cardiovascular phenotype. Identifiers: MedGen CN230736.

Allele frequency attached by ClinVar (database versions not stated): ExAC 0.00001; gnomAD 0.00001.
gnomAD v4.1: 5 of 1,608,542 alleles (0.00031%); highest among the groups gnomAD compares: Admixed American, 0.0084%; no homozygotes.

Submission:

Ambry Genetics
Classification: Uncertain significance for Cardiovascular phenotype. Last evaluated: 2019-11-20. Review status: criteria provided, single submitter. Criteria: Ambry Variant Classification Scheme 2023. Collection method: clinical testing. Allele origin: germline.
Comment: The p.G23502D variant (also known as c.70505G>A), located in coding exon 177 of the TTN gene, results from a G to A substitution at nucleotide position 70505. The glycine at codon 23502 is replaced by aspartic acid, an amino acid with similar properties. This amino acid position is highly conserved in available vertebrate species. In addition, the in silico prediction for this alteration is inconclusive. Since supporting evidence is limited at this time, the clinical significance of this alteration remains unclear.